The following is an entry in ClinVar:

NM_000355.4(TCN2):c.340G>A (p.Ala114Thr)

Gene: TCN2 (transcobalamin 2; plus strand). Cytogenetic location: 22q12.2.
Variant type: single nucleotide variant.
Coding change: c.340G>A on transcript NM_000355.4 (MANE Select); coding-DNA position 340, G replaced by A.
Protein change: p.Ala114Thr; replaces alanine 114 with threonine.
Molecular consequence: missense variant.
Genome position (GRCh38, 1-based): chr22:30,612,955, G>A. VCF-style: chr22-30612955-G-A. GRCh37 (hg19) VCF-style: chr22-31008942-G-A.
Other names: c.340G>A, p.Ala114Thr (NM_001184726.2); short protein forms A114T.
Identifiers: ClinVar variation 2002361 (VCV002002361.2), dbSNP rs1212779849, ClinGen allele CA411208640.

ClinVar aggregate classification (germline): Uncertain significance (1 of 4 stars; one submission).

Conditions:
Transcobalamin II deficiency (TCN2D). Also called: TC II DEFICIENCY; TCN2 DEFICIENCY; Transcolabamin II deficiency. Identifiers: Orphanet 859, MedGen C0342701, MONDO:0010149, OMIM 275350.

Allele frequency attached by ClinVar (database versions not stated): gnomAD exomes 0.00001.
gnomAD v4.1: 4 of 1,614,206 alleles (0.00025%); highest among the groups gnomAD compares: Admixed American, 0.0033%; no homozygotes.

Submission:

Labcorp Genetics (formerly Invitae), Labcorp
Classification: Uncertain significance for Transcobalamin II deficiency. Last evaluated: 2025-10-02. Review status: criteria provided, single submitter. Criteria: Invitae Variant Classification Sherloc (09022015). Collection method: clinical testing. Allele origin: germline.
Comment: This sequence change replaces alanine, which is neutral and non-polar, with threonine, which is neutral and polar, at codon 114 of the TCN2 protein (p.Ala114Thr). This variant is present in population databases (no rsID available, gnomAD 0.003%). This variant has not been reported in the literature in individuals affected with TCN2-related conditions. ClinVar contains an entry for this variant (Variation ID: 2002361). Invitae Evidence Modeling of protein sequence and biophysical properties (such as structural, functional, and spatial information, amino acid conservation, physicochemical variation, residue mobility, and thermodynamic stability) has been performed for this missense variant. However, the output from this modeling did not meet the statistical confidence thresholds required to predict the impact of this variant on TCN2 protein function. In summary, the available evidence is currently insufficient to determine the role of this variant in disease. Therefore, it has been classified as a Variant of Uncertain Significance.